The following is an entry in ClinVar:

NM_005751.5(AKAP9):c.6970A>G (p.Ile2324Val)

Gene: AKAP9 (A-kinase anchoring protein 9; plus strand). Cytogenetic location: 7q21.2.
Variant type: single nucleotide variant.
Coding change: c.6970A>G on transcript NM_005751.5 (MANE Select); coding-DNA position 6970, A replaced by G.
Protein change: p.Ile2324Val; replaces isoleucine 2324 with valine.
Molecular consequence: missense variant.
Genome position (GRCh38, 1-based): chr7:92,079,103, A>G. VCF-style: chr7-92079103-A-G. GRCh37 (hg19) VCF-style: chr7-91708417-A-G.
Other names: c.1615A>G, p.Ile539Val (NM_001379277.1); c.6946A>G, p.Ile2316Val (NM_147185.3); short protein forms I2316V, I2324V, I539V.
Identifiers: ClinVar variation 1000463 (VCV001000463.11), dbSNP rs184676617, ClinGen allele CA4337210.

ClinVar aggregate classification (germline): Conflicting classifications of pathogenicity. Review status: criteria provided, conflicting classifications (1 of 4 stars). 3 submissions from 3 submitters: Uncertain significance (2); Likely benign (1). Last evaluated 2025-11-18.

Conditions:
Cardiovascular phenotype. Identifiers: MedGen CN230736.
Long QT syndrome (LQTS). Identifiers: MedGen C0023976, MeSH D008133, MONDO:0002442. Disease mechanism: loss of function. Inheritance: Various modes of inheritance.
Long QT syndrome 11 (LQT11). Identifiers: Orphanet 101016, Orphanet 768, MedGen C2678483, MONDO:0012738, OMIM 611820.

Allele frequency attached by ClinVar (database versions not stated): gnomAD exomes 0.00001 and 0.00003; ExAC 0.00002; gnomAD 0.00016; TOPMed 0.00032; 1000 Genomes Project 0.00040; 1000 Genomes Project 30x 0.00047.
gnomAD v4.1: 47 of 1,611,012 alleles (0.0029%); highest among the groups gnomAD compares: Admixed American, 0.058%; no homozygotes.

Submissions (3):

Labcorp Genetics (formerly Invitae), Labcorp
Classification: Uncertain significance for Long QT syndrome. Last evaluated: 2025-11-18. Review status: criteria provided, single submitter. Criteria: Invitae Variant Classification Sherloc (09022015). Collection method: clinical testing. Allele origin: germline.
Comment: This sequence change replaces isoleucine, which is neutral and non-polar, with valine, which is neutral and non-polar, at codon 2324 of the AKAP9 protein (p.Ile2324Val). This variant is present in population databases (rs184676617, gnomAD 0.01%). This variant has not been reported in the literature in individuals affected with AKAP9-related conditions. ClinVar contains an entry for this variant (Variation ID: 1000463). An algorithm developed to predict the effect of missense changes on protein structure and function (PolyPhen-2) suggests that this variant is likely to be tolerated. In summary, the available evidence is currently insufficient to determine the role of this variant in disease. Therefore, it has been classified as a Variant of Uncertain Significance.

Ambry Genetics
Classification: Likely benign for Cardiovascular phenotype. Last evaluated: 2023-04-20. Review status: criteria provided, single submitter. Criteria: Ambry Variant Classification Scheme 2023. Collection method: clinical testing. Allele origin: germline.

Fulgent Genetics
Classification: Uncertain significance for Long QT syndrome 11. Last evaluated: 2021-10-13. Review status: criteria provided, single submitter. Criteria: ACMG Guidelines, 2015. Collection method: clinical testing. Allele origin: unknown.

Literature cited by the submitters: PubMed 28986455 (cited by Ambry Genetics).